The following is an entry in ClinVar:

ClinVar aggregate classification (germline): Uncertain significance (1 of 4 stars; one submission).

Conditions:
Hereditary sensory and autonomic neuropathy type 6. Also called: Neuropathy, hereditary sensory and autonomic, type VI; HSAN VI. Identifiers: Orphanet 314381, MedGen C3539003, MONDO:0013839, OMIM 614653.
Epidermolysis bullosa simplex 3, localized or generalized intermediate, with BP230 deficiency (EBS3). Also called: Epidermolysis bullosa simplex due to BP230 deficiency; Epidermolysis bullosa simplex, autosomal recessive 2. Identifiers: Orphanet 412181, MedGen C3809470, MONDO:0014180, OMIM 615425.

Allele frequency attached by ClinVar (database versions not stated): TOPMed below 0.00001.
gnomAD v4.1: 4 of 1,614,190 alleles (0.00025%); highest among the groups gnomAD compares: Non-Finnish European, 0.00034%; no homozygotes.

Submission:

Labcorp Genetics (formerly Invitae), Labcorp
Classification: Uncertain significance for Epidermolysis bullosa simplex 3, localized or generalized intermediate, with BP230 deficiency; Hereditary sensory and autonomic neuropathy type 6. Last evaluated: 2022-05-22. Review status: criteria provided, single submitter. Criteria: Invitae Variant Classification Sherloc (09022015). Collection method: clinical testing. Allele origin: germline.
Comment: This variant has not been reported in the literature in individuals affected with DST-related conditions. This variant is not present in population databases (gnomAD no frequency). This sequence change replaces lysine, which is basic and polar, with threonine, which is neutral and polar, at codon 1402 of the DST protein (p.Lys1402Thr). Algorithms developed to predict the effect of missense changes on protein structure and function are either unavailable or do not agree on the potential impact of this missense change (SIFT: "Tolerated"; PolyPhen-2: "Possibly Damaging"; Align-GVGD: "Class C0"). In summary, the available evidence is currently insufficient to determine the role of this variant in disease. Therefore, it has been classified as a Variant of Uncertain Significance.

NM_001723.7(DST):c.4205A>C (p.Lys1402Thr)

Gene: DST (dystonin; minus strand). Cytogenetic location: 6p12.1.
Variant type: single nucleotide variant.
Coding change: c.4205A>C on transcript NM_001723.7 (MANE Plus Clinical); coding-DNA position 4205, A replaced by C.
Protein change: p.Lys1402Thr; replaces lysine 1402 with threonine.
Molecular consequence: missense variant. On other transcripts: intron variant (10).
Genome position (GRCh38, 1-based): chr6:56,619,829, T>G on the plus strand (A>C on the coding strand, the complement: DST is on the minus strand). VCF-style: chr6-56619829-T-G. GRCh37 (hg19) VCF-style: chr6-56484627-T-G.
Other names: c.4830+4701A>C (NM_001144769.5); c.4929+4701A>C (NM_001374722.1, NM_001374736.1); c.4956+4701A>C (NM_001374734.1); c.4416+4701A>C (NM_001144770.2); c.4296+4701A>C (NM_001374730.1, NM_001386100.1, NM_183380.4 and 1 more transcripts); c.3318+4701A>C (NM_015548.5); short protein forms K1402T.
Identifiers: ClinVar variation 2150349 (VCV002150349.4), dbSNP rs773861193, ClinGen allele CA364570196.